The following is an entry in ClinVar:

ClinVar aggregate classification (germline): Uncertain significance (1 of 4 stars; one submission).

Conditions:
Regional enteritis. Also called: Enteritis, Granulomatous. Identifiers: MedGen C0678202, MeSH D003424.
Blau syndrome (BLAUS). Also called: ARTHROCUTANEOUVEAL GRANULOMATOSIS; GRANULOMATOSIS, FAMILIAL JUVENILE SYSTEMIC; GRANULOMATOSIS, FAMILIAL, BLAU TYPE; GRANULOMATOUS INFLAMMATORY ARTHRITIS, DERMATITIS, AND UVEITIS, FAMILIAL; JABS SYNDROME. Identifiers: Orphanet 90340, MedGen C5201146, MONDO:0008523, OMIM 186580.

Submission:

Labcorp Genetics (formerly Invitae), Labcorp
Classification: Uncertain significance for Regional enteritis; Blau syndrome. Last evaluated: 2022-09-26. Review status: criteria provided, single submitter. Criteria: Invitae Variant Classification Sherloc (09022015). Collection method: clinical testing. Allele origin: germline.
Comment: This sequence change replaces serine, which is neutral and polar, with cysteine, which is neutral and slightly polar, at codon 974 of the NOD2 protein (p.Ser974Cys). This variant is not present in population databases (gnomAD no frequency). This variant has not been reported in the literature in individuals affected with NOD2-related conditions. Advanced modeling of protein sequence and biophysical properties (such as structural, functional, and spatial information, amino acid conservation, physicochemical variation, residue mobility, and thermodynamic stability) performed at Invitae indicates that this missense variant is not expected to disrupt NOD2 protein function. In summary, the available evidence is currently insufficient to determine the role of this variant in disease. Therefore, it has been classified as a Variant of Uncertain Significance.

NM_001370466.1(NOD2):c.2840C>G (p.Ser947Cys)

Gene: NOD2 (nucleotide binding oligomerization domain containing 2; plus strand). Cytogenetic location: 16q12.1.
Variant type: single nucleotide variant.
Coding change: c.2840C>G on transcript NM_001370466.1 (MANE Select); coding-DNA position 2840, C replaced by G.
Protein change: p.Ser947Cys; replaces serine 947 with cysteine.
Molecular consequence: missense variant. On other transcripts: non-coding transcript variant (1).
Genome position (GRCh38, 1-based): chr16:50,725,527, C>G. VCF-style: chr16-50725527-C-G. GRCh37 (hg19) VCF-style: chr16-50759438-C-G.
Other names: c.2840C>G, p.Ser947Cys (NM_001293557.2); c.2921C>G, p.Ser974Cys (NM_022162.3); short protein forms S947C, S974C.
Identifiers: ClinVar variation 2122573 (VCV002122573.4), dbSNP rs200463498, ClinGen allele CA395876391.